The following is an entry in ClinVar:

NM_000350.3(ABCA4):c.2294GTG[1] (p.Gly766del)

Gene: ABCA4 (ATP binding cassette subfamily A member 4; minus strand). Cytogenetic location: 1p22.1.
Variant type: Microsatellite.
Coding change: c.2294GTG[1] on transcript NM_000350.3 (MANE Select); one copy of the 3-base unit GTG starting at c.2294; the reference has two copies in a row; one copy, 3 bases deleted.
Protein change: p.Gly766del; deletes glycine 766.
Molecular consequence: inframe deletion.
Genome position (GRCh38, 1-based): chr1:94,056,684-94,056,686, CAC deleted on the plus strand (GTG on the coding strand, the reverse complement: ABCA4 is on the minus strand); deleting any 3 consecutive bases within chr1:94,056,684-94,056,689 gives the same sequence; the position shown is the placement nearest the transcript's 3' end. VCF-style (leftmost placement, unchanged base first): chr1-94056683-ACAC-A. GRCh37 (hg19) VCF-style: chr1-94522239-ACAC-A.
Other names: short protein forms G766del.
Identifiers: ClinVar variation 1062657 (VCV001062657.10), dbSNP rs2101069736, ClinGen allele CA2580611466.

ClinVar aggregate classification (germline): Pathogenic/Likely pathogenic. Review status: criteria provided, multiple submitters, no conflicts (2 of 4 stars). 3 submissions from 3 submitters: Pathogenic (1); Likely pathogenic (2). Last evaluated 2025-05-16.

Conditions:
Retinitis pigmentosa 19 (RP19). Also called: ABCA4-Related Retinitis Pigmentosa. Identifiers: Orphanet 791, MedGen C1866422, MONDO:0011137, OMIM 601718.
Cone-rod dystrophy 3 (CORD3). Identifiers: Orphanet 1872, MedGen C1858806, MONDO:0011395, OMIM 604116.
Age related macular degeneration 2. Also called: MACULOPATHY, AGE-RELATED; MACULAR DEGENERATION, SENILE; MACULOPATHY, AGE-RELATED, 2. Identifiers: MedGen C3495438, MONDO:0007932, OMIM 153800.
Severe early-childhood-onset retinal dystrophy (STGD1). Also called: STGD; Stargardt macular dystrophy; Juvenile onset macular degeneration; Stargardt disease 1; MACULAR DYSTROPHY WITH FLECKS, TYPE 1. Identifiers: Orphanet 364055, Orphanet 827, MedGen C1855465, MeSH D000080362, MONDO:0009549, OMIM 248200.

Submissions (3):

Labcorp Genetics (formerly Invitae), Labcorp
Classification: Pathogenic. Last evaluated: 2025-05-16. Review status: criteria provided, single submitter. Criteria: Invitae Variant Classification Sherloc (09022015). Collection method: clinical testing. Allele origin: germline.
Comment: This variant, c.2297_2299del, results in the deletion of 1 amino acid(s) of the ABCA4 protein (p.Gly766del), but otherwise preserves the integrity of the reading frame. This variant is not present in population databases (gnomAD no frequency). This variant has been observed in individual(s) with clinical features of inherited retinal dystrophy (internal data). ClinVar contains an entry for this variant (Variation ID: 1062657). For these reasons, this variant has been classified as Pathogenic.

Fulgent Genetics
Classification: Likely pathogenic for Age related macular degeneration 2; Severe early-childhood-onset retinal dystrophy; Retinitis pigmentosa 19; Cone-rod dystrophy 3. Last evaluated: 2024-02-16. Review status: criteria provided, single submitter. Criteria: ACMG Guidelines, 2015. Collection method: clinical testing. Allele origin: germline.

GeneDx
Classification: Likely pathogenic. Last evaluated: 2021-10-06. Review status: criteria provided, single submitter. Criteria: GeneDx Variant Classification Process June 2021. Collection method: clinical testing. Allele origin: germline. Affected: yes.
Comment: In-frame deletion of 1 amino acid in a non-repeat region; Not observed in large population cohorts (Lek et al., 2016); In silico analysis, which includes protein predictors and evolutionary conservation, supports a deleterious effect; Has not been previously published as pathogenic or benign to our knowledge